The following is an entry in ClinVar:

ClinVar aggregate classification (germline): Uncertain significance (1 of 4 stars; one submission).

gnomAD v4.1: 1 of 1,338,874 alleles (0.000075%); highest among the groups gnomAD compares: Non-Finnish European, 0.000096%; no homozygotes.

Submission:

CeGaT Center for Human Genetics Tuebingen
Classification: Uncertain significance. Last evaluated: 2024-05-01. Review status: criteria provided, single submitter. Criteria: CeGaT Center For Human Genetics Tuebingen Variant Classification Criteria Version 2. Collection method: clinical testing. Allele origin: germline. Affected: yes. Observed: 1 variant allele.
Comment: CUX1: PM2

NM_181552.4(CUX1):c.4139C>T (p.Thr1380Ile)

Gene: CUX1 (cut like homeobox 1; plus strand). Cytogenetic location: 7q22.1.
Variant type: single nucleotide variant.
Coding change: c.4139C>T on transcript NM_181552.4 (MANE Select); coding-DNA position 4139, C replaced by T.
Protein change: p.Thr1380Ile; replaces threonine 1380 with isoleucine.
Molecular consequence: missense variant. On other transcripts: intron variant (5).
Genome position (GRCh38, 1-based): chr7:102,248,663, C>T. VCF-style: chr7-102248663-C-T. GRCh37 (hg19) VCF-style: chr7-101891943-C-T.
Other names: c.4172C>T, p.Thr1391Ile (NM_001202543.2); c.1256-24703C>T (NM_001913.5); c.1250-24703C>T (NM_181500.4); c.1118-24703C>T (NM_001202545.3); c.1208-24703C>T (NM_001202544.3); c.1139-24703C>T (NM_001202546.3); short protein forms T1380I, T1391I.
Identifiers: ClinVar variation 3239570 (VCV003239570.19), dbSNP rs1554538002.